The following is an entry in ClinVar:

NM_004656.4(BAP1):c.468G>A (p.Gln156=)

Gene: BAP1 (BRCA1 associated deubiquitinase 1; minus strand). Cytogenetic location: 3p21.1.
Variant type: single nucleotide variant.
Coding change: c.468G>A on transcript NM_004656.4 (MANE Select); coding-DNA position 468, G replaced by A.
Protein change: p.Gln156=; no amino-acid change (glutamine 156 retained).
Molecular consequence: synonymous variant.
Genome position (GRCh38, 1-based): chr3:52,407,286, C>T on the plus strand (G>A on the coding strand, the complement: BAP1 is on the minus strand). VCF-style: chr3-52407286-C-T. GRCh37 (hg19) VCF-style: chr3-52441302-C-T.
Identifiers: ClinVar variation 1079685 (VCV001079685.8), dbSNP rs2153227857, ClinGen allele CA433777266.

ClinVar aggregate classification (germline): Benign/Likely benign. Review status: criteria provided, multiple submitters, no conflicts (2 of 4 stars). 2 submissions from 2 submitters: Benign (1); Likely benign (1). Last evaluated 2024-07-12.

Conditions:
BAP1-related tumor predisposition syndrome (TPDS1). Also called: Tumor susceptibility linked to germline BAP1 mutations; COMMON Syndrome; TUMOR PREDISPOSITION SYNDROME 1; BAP1 tumor predisposition syndrome. Identifiers: Orphanet 289539, MedGen C3280492, MONDO:0013692, OMIM 614327.

Submissions (2):

Myriad Genetics, Inc.
Classification: Benign for BAP1-related tumor predisposition syndrome. Last evaluated: 2024-07-12. Review status: criteria provided, single submitter. Criteria: Myriad Autosomal Dominant, Autosomal Recessive and X-Linked Classification Criteria (2023). Collection method: clinical testing. Allele origin: unknown.
Comment: This variant is considered benign. This variant is a silent/synonymous amino acid change and it is not expected to impact splicing.

Labcorp Genetics (formerly Invitae), Labcorp
Classification: Likely benign for BAP1-related tumor predisposition syndrome. Last evaluated: 2020-10-30. Review status: criteria provided, single submitter. Criteria: Invitae Variant Classification Sherloc (09022015). Collection method: clinical testing. Allele origin: germline.